The following is an entry in ClinVar:

ClinVar aggregate classification (germline): Uncertain significance (1 of 4 stars; one submission).

Allele frequency attached by ClinVar (database versions not stated): TOPMed below 0.00001.
gnomAD v4.1: 1 of 1,614,222 alleles (0.000062%); no homozygotes.

Submission:

Labcorp Genetics (formerly Invitae), Labcorp
Classification: Uncertain significance. Last evaluated: 2022-01-15. Review status: criteria provided, single submitter. Criteria: Invitae Variant Classification Sherloc (09022015). Collection method: clinical testing. Allele origin: germline.
Comment: This sequence change replaces serine, which is neutral and polar, with phenylalanine, which is neutral and non-polar, at codon 575 of the CAD protein (p.Ser575Phe). This variant is present in population databases (rs781776367, gnomAD 0.01%). This variant has not been reported in the literature in individuals affected with CAD-related conditions. Algorithms developed to predict the effect of missense changes on protein structure and function output the following: SIFT: "Tolerated"; PolyPhen-2: "Benign"; Align-GVGD: "Class C0". The phenylalanine amino acid residue is found in multiple mammalian species, which suggests that this missense change does not adversely affect protein function. In summary, the available evidence is currently insufficient to determine the role of this variant in disease. Therefore, it has been classified as a Variant of Uncertain Significance.

NM_004341.5(CAD):c.1724C>T (p.Ser575Phe)

Gene: CAD (carbamoyl-phosphate synthetase 2, aspartate transcarbamylase, and dihydroorotase; plus strand). Cytogenetic location: 2p23.3.
Variant type: single nucleotide variant.
Coding change: c.1724C>T on transcript NM_004341.5 (MANE Select); coding-DNA position 1724, C replaced by T.
Protein change: p.Ser575Phe; replaces serine 575 with phenylalanine.
Molecular consequence: missense variant.
Genome position (GRCh38, 1-based): chr2:27,225,808, C>T. VCF-style: chr2-27225808-C-T. GRCh37 (hg19) VCF-style: chr2-27448676-C-T.
Other names: c.1724C>T, p.Ser575Phe (NM_001306079.2); short protein forms S575F.
Identifiers: ClinVar variation 1977817 (VCV001977817.2), dbSNP rs781776367, ClinGen allele CA1572811.